The following is an entry in ClinVar:

NM_000051.4(ATM):c.4704T>C (p.His1568=)

Gene: ATM (ATM serine/threonine kinase; plus strand). Cytogenetic location: 11q22.3.
Variant type: single nucleotide variant.
Coding change: c.4704T>C on transcript NM_000051.4 (MANE Select); coding-DNA position 4704, T replaced by C.
Protein change: p.His1568=; no amino-acid change (histidine 1568 retained).
Molecular consequence: synonymous variant.
Genome position (GRCh38, 1-based): chr11:108,293,405, T>C. VCF-style: chr11-108293405-T-C. GRCh37 (hg19) VCF-style: chr11-108164132-T-C.
Other names: c.4704T>C, p.His1568= (NM_001351834.2).
Identifiers: ClinVar variation 385352 (VCV000385352.18), dbSNP rs1057522200, ClinGen allele CA16606818.

ClinVar aggregate classification (germline): Benign/Likely benign. Review status: criteria provided, multiple submitters, no conflicts (2 of 4 stars). 5 submissions from 5 submitters: Benign (1); Likely benign (4). Last evaluated 2025-02-06.

Conditions:
Hereditary cancer-predisposing syndrome. Also called: Neoplastic Syndromes, Hereditary; Hereditary neoplastic syndrome; Tumor predisposition; Hereditary Cancer Syndrome. Identifiers: Orphanet 140162, MedGen C0027672, MeSH D009386, MONDO:0015356.
Familial cancer of breast. Also called: BREAST CANCER, FAMILIAL; hereditary breast carcinoma; Hereditary breast cancer. Identifiers: Orphanet 227535, MedGen C0346153, MONDO:0016419, OMIM 114480. Disease mechanism: loss of function.
Ataxia-telangiectasia syndrome (AT). Also called: AT, COMPLEMENTATION GROUP C; ATAXIA-TELANGIECTASIA, COMPLEMENTATION GROUP A; ATAXIA-TELANGIECTASIA, FRESNO VARIANT; LOUIS-BAR SYNDROME; Ataxia-telangiectasia; Cerebello-oculocutaneous telangiectasia. Identifiers: Orphanet 100, MedGen C0004135, MONDO:0008840, OMIM 208900.

Submissions (5):

Labcorp Genetics (formerly Invitae), Labcorp
Classification: Likely benign for Ataxia-telangiectasia syndrome. Last evaluated: 2025-02-06. Review status: criteria provided, single submitter. Criteria: Invitae Variant Classification Sherloc (09022015). Collection method: clinical testing. Allele origin: germline.

Myriad Genetics, Inc.
Classification: Benign for Familial cancer of breast. Last evaluated: 2024-05-20. Review status: criteria provided, single submitter. Criteria: Myriad Autosomal Dominant, Autosomal Recessive and X-Linked Classification Criteria (2023). Collection method: clinical testing. Allele origin: unknown.
Comment: This variant is considered benign. This variant is a silent/synonymous amino acid change and it is not expected to impact splicing.

Ambry Genetics
Classification: Likely benign for Hereditary cancer-predisposing syndrome. Last evaluated: 2022-03-25. Review status: criteria provided, single submitter. Criteria: Ambry Variant Classification Scheme 2023. Collection method: clinical testing. Allele origin: germline.

Color Diagnostics, LLC DBA Color Health
Classification: Likely benign for Hereditary cancer-predisposing syndrome. Last evaluated: 2021-12-27. Review status: criteria provided, single submitter. Criteria: ACMG Guidelines, 2015. Collection method: clinical testing. Allele origin: germline.

GeneDx
Classification: Likely benign. Last evaluated: 2021-02-09. Review status: criteria provided, single submitter. Criteria: GeneDx Variant Classification Process June 2021. Collection method: clinical testing. Allele origin: germline. Affected: yes.